The following is an entry in ClinVar:

ClinVar aggregate classification (germline): Uncertain significance (1 of 4 stars; one submission).

Conditions:
Cohen syndrome (COH1). Also called: PEPPER SYNDROME; Cutis verticis gyrata, retinitis pigmentosa, and sensorineural deafness. Identifiers: Orphanet 193, MedGen C0265223, MONDO:0008999, OMIM 216550.

Submission:

Labcorp Genetics (formerly Invitae), Labcorp
Classification: Uncertain significance for Cohen syndrome. Last evaluated: 2019-10-05. Review status: criteria provided, single submitter. Criteria: Invitae Variant Classification Sherloc (09022015). Collection method: clinical testing. Allele origin: germline.
Comment: In summary, the available evidence is currently insufficient to determine the role of this variant in disease. Therefore, it has been classified as a Variant of Uncertain Significance. Algorithms developed to predict the effect of missense changes on protein structure and function (SIFT, PolyPhen-2, Align-GVGD) all suggest that this variant is likely to be tolerated, but these predictions have not been confirmed by published functional studies and their clinical significance is uncertain. This variant has not been reported in the literature in individuals with VPS13B-related conditions. This sequence change replaces leucine with phenylalanine at codon 1118 of the VPS13B protein (p.Leu1118Phe). The leucine residue is moderately conserved and there is a small physicochemical difference between leucine and phenylalanine. This variant is not present in population databases (ExAC no frequency).

NM_152564.5(VPS13B):c.3354G>T (p.Leu1118Phe)

Gene: VPS13B (vacuolar protein sorting 13 homolog B; plus strand). Cytogenetic location: 8q22.2.
Variant type: single nucleotide variant.
Coding change: c.3354G>T on transcript NM_152564.5 (MANE Select); coding-DNA position 3354, G replaced by T.
Protein change: p.Leu1118Phe; replaces leucine 1118 with phenylalanine.
Molecular consequence: missense variant.
Genome position (GRCh38, 1-based): chr8:99,442,544, G>T. VCF-style: chr8-99442544-G-T. GRCh37 (hg19) VCF-style: chr8-100454772-G-T.
Other names: c.3354G>T, p.Leu1118Phe (NM_017890.5); short protein forms L1118F.
Identifiers: ClinVar variation 943624 (VCV000943624.8), dbSNP rs1817726307, ClinGen allele CA371870932.